The following is an entry in ClinVar:

ClinVar aggregate classification (germline): Conflicting classifications of pathogenicity. Review status: criteria provided, conflicting classifications (1 of 4 stars). 3 submissions from 3 submitters: Uncertain significance (2); Benign (1). Last evaluated 2026-08-23.

Conditions:
Early-infantile DEE. Also called: Ohtahara syndrome; Early infantile epileptic encephalopathy; Early infantile epileptic encephalopathy with suppression bursts. Identifiers: Orphanet 1934, MedGen C0393706, MONDO:0800491.
Inborn genetic diseases. Identifiers: MedGen C0950123, MeSH D030342.

Allele frequency attached by ClinVar (database versions not stated): gnomAD exomes below 0.00001; gnomAD 0.00002; TOPMed 0.00001.
gnomAD v4.1: 10 of 1,613,938 alleles (0.00062%); highest among the groups gnomAD compares: Non-Finnish European, 0.00076%; no homozygotes.

Submissions (3):

Ambry Genetics
Classification: Uncertain significance for Inborn genetic diseases. Last evaluated: 2026-08-23. Review status: criteria provided, single submitter. Criteria: Ambry Variant Classification Scheme 2023. Collection method: clinical testing. Allele origin: germline.

Labcorp Genetics (formerly Invitae), Labcorp
Classification: Benign for Early-infantile DEE. Last evaluated: 2025-01-06. Review status: criteria provided, single submitter. Criteria: Invitae Variant Classification Sherloc (09022015). Collection method: clinical testing. Allele origin: germline.

GeneDx
Classification: Uncertain significance. Last evaluated: 2023-02-13. Review status: criteria provided, single submitter. Criteria: GeneDx Variant Classification Process June 2021. Collection method: clinical testing. Allele origin: germline. Affected: yes.
Comment: Not observed at significant frequency in large population cohorts (gnomAD); In silico analysis supports that this missense variant does not alter protein structure/function; Has not been previously published as pathogenic or benign to our knowledge

NM_020988.3(GNAO1):c.275G>A (p.Gly92Asp)

Gene: GNAO1 (G protein subunit alpha o1; plus strand). Cytogenetic location: 16q13.
Variant type: single nucleotide variant.
Coding change: c.275G>A on transcript NM_020988.3 (MANE Select); coding-DNA position 275, G replaced by A.
Protein change: p.Gly92Asp; replaces glycine 92 with aspartic acid.
Molecular consequence: missense variant.
Genome position (GRCh38, 1-based): chr16:56,276,044, G>A. VCF-style: chr16-56276044-G-A. GRCh37 (hg19) VCF-style: chr16-56309956-G-A.
Other names: c.275G>A, p.Gly92Asp (NM_138736.3); c.275G>A (NM_020988.2); short protein forms G92D.
Identifiers: ClinVar variation 2109047 (VCV002109047.6), dbSNP rs1271540719, ClinGen allele CA396128208.
Genomic context (GRCh38, chr16:56,276,044, plus strand): 5'-TTGTCTACAGCAACACTATCCAGTCCCTGGCAGCCATCGTCCGGGCCATGGACACTTTGG[G>A]CATCGAATATGGTGATAAGGAGAGAAAGGTAGGCCCCTGAGCCCATAAGCACAGCAACAA-3'
Protein context (NP_066268.1, residues 82-102): AAIVRAMDTL[Gly92Asp]IEYGDKERKA